The following is an entry in ClinVar:

NM_016239.4(MYO15A):c.6729G>A (p.Thr2243=)

Gene: MYO15A (myosin XVA; plus strand). Cytogenetic location: 17p11.2.
Variant type: single nucleotide variant.
Coding change: c.6729G>A on transcript NM_016239.4 (MANE Select); coding-DNA position 6729, G replaced by A.
Protein change: p.Thr2243=; no amino-acid change (threonine 2243 retained).
Molecular consequence: synonymous variant.
Genome position (GRCh38, 1-based): chr17:18,148,533, G>A. VCF-style: chr17-18148533-G-A. GRCh37 (hg19) VCF-style: chr17-18051847-G-A.
Other names: c.6729G>A (NM_016239.3).
Identifiers: ClinVar variation 499787 (VCV000499787.9), dbSNP rs531965733, ClinGen allele CA8424671.

ClinVar aggregate classification (germline): Conflicting classifications of pathogenicity. Review status: criteria provided, conflicting classifications (1 of 4 stars). 3 submissions from 3 submitters: Uncertain significance (1); Likely benign (2). Last evaluated 2025-01-13.

Conditions:
MYO15A-related disorder. Also called: MYO15A-related condition.

Allele frequency attached by ClinVar (database versions not stated): gnomAD 0.00004 and 0.00006; TOPMed 0.00005; ExAC 0.00010; gnomAD exomes 0.00011; 1000 Genomes Project 30x 0.00016; 1000 Genomes Project 0.00020.
gnomAD v4.1: 209 of 1,552,768 alleles (0.013%); highest among the groups gnomAD compares: East Asian, 0.47%; 1 homozygote.

Submissions (3):

PreventionGenetics, part of Exact Sciences
Classification: Likely benign for MYO15A-related condition. Last evaluated: 2025-01-13. Review status: criteria provided, single submitter. Criteria: ACMG Guidelines, 2015. Collection method: clinical testing. Allele origin: germline.
Comment: This variant is classified as likely benign based on ACMG/AMP sequence variant interpretation guidelines (Richards et al. 2015 PMID: 25741868, with internal and published modifications).

Labcorp Genetics (formerly Invitae), Labcorp
Classification: Likely benign. Last evaluated: 2024-03-16. Review status: criteria provided, single submitter. Criteria: Invitae Variant Classification Sherloc (09022015). Collection method: clinical testing. Allele origin: germline.

Eurofins Ntd Llc (ga)
Classification: Uncertain significance. Last evaluated: 2017-02-22. Review status: criteria provided, single submitter. Criteria: EGL Classification Definitions 2015. Collection method: clinical testing. Allele origin: germline. Observed: 1 variant allele, 1 heterozygote.